The following is an entry in ClinVar:

ClinVar aggregate classification (germline): Uncertain significance (1 of 4 stars; one submission).

Conditions:
Inborn genetic diseases. Identifiers: MedGen C0950123, MeSH D030342.

Submission:

Ambry Genetics
Classification: Uncertain significance for Inborn genetic diseases. Last evaluated: 2025-02-20. Review status: criteria provided, single submitter. Criteria: Ambry Variant Classification Scheme 2023. Collection method: clinical testing. Allele origin: germline.
Comment: The p.E824K variant (also known as c.2470G>A), located in coding exon 1 of the SAMD9L gene, results from a G to A substitution at nucleotide position 2470. The glutamic acid at codon 824 is replaced by lysine, an amino acid with similar properties. This amino acid position is conserved. In addition, this alteration is predicted to be tolerated by in silico analysis. Based on the available evidence, the clinical significance of this variant remains unclear.

NM_152703.5(SAMD9L):c.2470G>A (p.Glu824Lys)

Gene: SAMD9L (sterile alpha motif domain containing 9 like; minus strand). Cytogenetic location: 7q21.2.
Variant type: single nucleotide variant.
Coding change: c.2470G>A on transcript NM_152703.5 (MANE Select); coding-DNA position 2470, G replaced by A.
Protein change: p.Glu824Lys; replaces glutamic acid 824 with lysine.
Molecular consequence: missense variant.
Genome position (GRCh38, 1-based): chr7:93,133,502, C>T on the plus strand (G>A on the coding strand, the complement: SAMD9L is on the minus strand). VCF-style: chr7-93133502-C-T. GRCh37 (hg19) VCF-style: chr7-92762815-C-T.
Other names: c.2470G>A, p.Glu824Lys (NM_001303496.3, NM_001303497.3, NM_001303498.3 and 5 more transcripts); short protein forms E824K.
Identifiers: ClinVar variation 3792440 (VCV003792440.1).
Genomic context (GRCh38, chr7:93,133,502, plus strand): 5'-TCCGGGATCTCATGCAGTTTAAGATAATTACCAATGTTTTTTCATATCGCAAATCCTTTT[C>T]TGCTAAAACGGAATGGATGGCATTTTGTAGAAAGTAGACATTTTCTTGTTCTTCAAAATC-3'
Protein context (NP_689916.2, residues 814-834): LQNAIHSVLA[Glu824Lys]KDLRYEKTLV